The following is an entry in ClinVar:

Single allele

Variant type: Deletion.
Identifiers: ClinVar variation 559476 (VCV000559476.3).

ClinVar aggregate classification (germline): Pathogenic (1 of 4 stars; one submission).

Conditions:
Charcot-Marie-Tooth disease type 1B. Also called: HEREDITARY MOTOR AND SENSORY NEUROPATHY I; HEREDITARY MOTOR AND SENSORY NEUROPATHY IB; PERONEAL MUSCULAR ATROPHY; CHARCOT-MARIE-TOOTH DISEASE, AUTOSOMAL DOMINANT, WITH FOCALLY FOLDED MYELIN SHEATHS, TYPE 1B; CHARCOT-MARIE-TOOTH DISEASE, SLOW NERVE CONDUCTION TYPE, LINKED TO DUFFY; CHARCOT-MARIE-TOOTH NEUROPATHY, TYPE 1B. Identifiers: Orphanet 101082, MedGen C0270912, MONDO:0007307, OMIM 118200.
Variegate porphyria (VP). Also called: PPOX DEFICIENCY; PORPHYRIA, SOUTH AFRICAN TYPE; PROTOPORPHYRINOGEN OXIDASE DEFICIENCY. Identifiers: Orphanet 79473, MedGen C0162532, MONDO:0008297, OMIM 176200.
Pheochromocytoma/paraganglioma syndrome 3. Also called: GLOMUS TUMORS, FAMILIAL, 3; Paragangliomas 3; SDHC-Related Hereditary Paraganglioma-Pheochromocytoma Syndrome (Paragangliomas 3); SDHC-Related Hereditary Paraganglioma-Pheochromocytoma Syndrome. Identifiers: Orphanet 29072, MedGen C1854336, MONDO:0011544, OMIM 605373.
Migraine, familial hemiplegic, 2. Identifiers: Orphanet 569, MedGen C1865322, MONDO:0011232, OMIM 602481.

Submission:

Geisinger Autism and Developmental Medicine Institute, Geisinger Health System
Classification: Pathogenic for Variegate porphyria; Migraine, familial hemiplegic, 2; Pheochromocytoma/paraganglioma syndrome 3; Charcot-Marie-Tooth disease type 1B. Last evaluated: 2018-04-13. Review status: criteria provided, single submitter. Criteria: ACMG CNV Guidelines, 2011. Collection method: provider interpretation. Allele origin: unknown.
Comment: Parental testing was not completed. This deletion contains approximately 50 genes including MPZ, PPOX, ATP1A2, and SDHC. Similar overlapping deletions have been seen in individuals with symptoms included but not limited to: intellectual disability, proportionate short statue, dysmorphic features, bilateral cleft lip/palate, hemiatrophy, hypodysplasia of corpus callosum, IUGR, and complex heart defects.